The following is an entry in ClinVar:

ClinVar aggregate classification (germline): Uncertain significance (1 of 4 stars; one submission).

gnomAD v4.1: 7 of 1,613,984 alleles (0.00043%); highest among the groups gnomAD compares: Non-Finnish European, 0.00059%; no homozygotes.

Submission:

GeneDx
Classification: Uncertain significance. Last evaluated: 2025-05-07. Review status: criteria provided, single submitter. Criteria: GeneDx Variant Classification Process June 2021. Collection method: clinical testing. Allele origin: germline. Affected: yes.
Comment: In silico analysis suggests that this missense variant does not alter protein structure/function; Has not been previously published as pathogenic or benign to our knowledge; Not observed at significant frequency in large population cohorts (gnomAD).

NM_015559.3(SETBP1):c.995G>A (p.Gly332Asp)

Gene: SETBP1 (SET binding protein 1; plus strand). Cytogenetic location: 18q12.3.
Variant type: single nucleotide variant.
Coding change: c.995G>A on transcript NM_015559.3 (MANE Select); coding-DNA position 995, G replaced by A.
Protein change: p.Gly332Asp; replaces glycine 332 with aspartic acid.
Molecular consequence: missense variant.
Genome position (GRCh38, 1-based): chr18:44,950,335, G>A. VCF-style: chr18-44950335-G-A. GRCh37 (hg19) VCF-style: chr18-42530300-G-A.
Other names: c.995G>A, p.Gly332Asp (NM_001379141.1, NM_001379142.1, NM_001410862.1); short protein forms G332D.
Identifiers: ClinVar variation 4527809 (VCV004527809.1).
Genomic context (GRCh38, chr18:44,950,335, plus strand): 5'-AGCCCTTGGTGGATCAAGATGGAGGAGGTACAAAGGAGCCCCCAGAACCACCTACGGTGG[G>A]CAGCAAGAAAAAGTCCAGTAAAAAAGATGTGATAAGTCAGACCATACCAAACCCAGACCT-3'
Protein context (NP_056374.2, residues 322-342): TKEPPEPPTV[Gly332Asp]SKKKSSKKDV